The following is an entry in ClinVar:

ClinVar aggregate classification (germline): Uncertain significance (1 of 4 stars; one submission).

Conditions:
Neuronal ceroid lipofuscinosis 7 (CLN7). Also called: MFSD8-Related Neuronal Ceroid-Lipofuscinosis. Identifiers: Orphanet 168491, Orphanet 228366, MedGen C1838571, MONDO:0012588, OMIM 610951.

gnomAD v4.1: 1 of 1,614,038 alleles (0.000062%); highest among the groups gnomAD compares: South Asian, 0.0011%; no homozygotes.

Submission:

Labcorp Genetics (formerly Invitae), Labcorp
Classification: Uncertain significance for Neuronal ceroid lipofuscinosis 7. Last evaluated: 2022-02-21. Review status: criteria provided, single submitter. Criteria: Invitae Variant Classification Sherloc (09022015). Collection method: clinical testing. Allele origin: germline.
Comment: This sequence change falls in intron 5 of the MFSD8 gene. It does not directly change the encoded amino acid sequence of the MFSD8 protein. It affects a nucleotide within the consensus splice site. This variant is not present in population databases (gnomAD no frequency). This variant has not been reported in the literature in individuals affected with MFSD8-related conditions. Variants that disrupt the consensus splice site are a relatively common cause of aberrant splicing (PMID: 17576681, 9536098). Algorithms developed to predict the effect of sequence changes on RNA splicing suggest that this variant is not likely to affect RNA splicing. In summary, the available evidence is currently insufficient to determine the role of this variant in disease. Therefore, it has been classified as a Variant of Uncertain Significance.

Literature cited by the submitters: PubMed 17576681; PubMed 9536098.

NM_001371596.2(MFSD8):c.439+6G>A

Gene: MFSD8 (major facilitator superfamily domain containing 8; minus strand). Cytogenetic location: 4q28.2.
Variant type: single nucleotide variant.
Coding change: c.439+6G>A on transcript NM_001371596.2 (MANE Select); 6 bases into the intron after coding-DNA position 439, G replaced by A.
Molecular consequence: intron variant.
Genome position (GRCh38, 1-based): chr4:127,943,746, C>T on the plus strand (G>A on the coding strand, the complement: MFSD8 is on the minus strand). VCF-style: chr4-127943746-C-T. GRCh37 (hg19) VCF-style: chr4-128864901-C-T.
Other names: c.304+6G>A (NM_001371595.1, NM_001410765.1, NM_001371590.2); c.439+6G>A (NM_152778.4, NM_001363521.3, NM_001410766.1 and 5 more transcripts).
Identifiers: ClinVar variation 2092930 (VCV002092930.4), dbSNP rs548444219, ClinGen allele CA2580071520.